The following is an entry in ClinVar:

ClinVar aggregate classification (germline): Benign (1 of 4 stars; one submission).

Allele frequency attached by ClinVar (database versions not stated): gnomAD exomes 0.66115; gnomAD 0.67878; TOPMed 0.69158; ExAC 0.74260; 1000 Genomes Project 0.75260; 1000 Genomes Project 30x 0.75422.
gnomAD v4.1: 306,821 of 460,304 alleles (67%); highest among the groups gnomAD compares: African/African-American, 80%; 104,518 homozygotes.

Submission:

Unidad de Genómica Garrahan, Hospital de Pediatría Garrahan
Classification: Benign. Last evaluated: 2024-01-24. Review status: criteria provided, single submitter. Criteria: ACMG Guidelines, 2015. Collection method: clinical testing. Allele origin: germline. Affected: no. Observed: 81 variant alleles.
Comment: This variant is classified as Benign based on local population frequency. This variant was detected in 92% of patients studied by a panel of primary immunodeficiencies. Number of patients: 81. Only high quality variants are reported.

NM_006846.4(SPINK5):c.475-443A>G

Gene: SPINK5 (serine peptidase inhibitor Kazal type 5; plus strand). Cytogenetic location: 5q32.
Variant type: single nucleotide variant.
Coding change: c.475-443A>G on transcript NM_006846.4 (MANE Select); 443 bases into the intron before coding-DNA position 475, A replaced by G.
Molecular consequence: intron variant.
Genome position (GRCh38, 1-based): chr5:148,089,051, A>G. VCF-style: chr5-148089051-A-G. GRCh37 (hg19) VCF-style: chr5-147468614-A-G.
Other names: c.475-443A>G (NM_001127698.2, NM_001127699.2).
Identifiers: ClinVar variation 2688515 (VCV002688515.2), dbSNP rs10038561, ClinGen allele CA3495236.